The following is an entry in ClinVar:

NM_000512.5(GALNS):c.1112C>T (p.Thr371Ile)

Gene: GALNS (galactosamine (N-acetyl)-6-sulfatase; minus strand). Cytogenetic location: 16q24.3.
Variant type: single nucleotide variant.
Coding change: c.1112C>T on transcript NM_000512.5 (MANE Select); coding-DNA position 1112, C replaced by T.
Protein change: p.Thr371Ile; replaces threonine 371 with isoleucine.
Molecular consequence: missense variant.
Genome position (GRCh38, 1-based): chr16:88,826,729, G>A on the plus strand (C>T on the coding strand, the complement: GALNS is on the minus strand). VCF-style: chr16-88826729-G-A. GRCh37 (hg19) VCF-style: chr16-88893137-G-A.
Other names: c.557C>T, p.Thr186Ile (NM_001323543.2); c.1130C>T, p.Thr377Ile (NM_001323544.2); short protein forms T186I, T371I, T377I.
Identifiers: ClinVar variation 4990507 (VCV004990507.1).

ClinVar aggregate classification (germline): Uncertain significance (1 of 4 stars; one submission).

Conditions:
GALNS-related disorder. Also called: GALNS-related condition.

gnomAD v4.1: 1 of 1,612,656 alleles (0.000062%); no homozygotes.

Submission:

PreventionGenetics, part of Exact Sciences
Classification: Uncertain significance for GALNS-related condition. Last evaluated: 2025-12-08. Review status: criteria provided, single submitter. Criteria: ACMG Guidelines, 2015. Collection method: clinical testing. Allele origin: germline.
Comment: The GALNS c.1112C>T variant is predicted to result in the amino acid substitution p.Thr371Ile. To our knowledge, this variant has not been reported in the literature or in a large population database (gnomAD), indicating this variant is rare. At this time, the clinical significance of this variant is uncertain due to the absence of conclusive functional and genetic evidence.